The following is an entry in ClinVar:

ClinVar aggregate classification (germline): Uncertain significance (1 of 4 stars; one submission).

Conditions:
Renal cell carcinoma. Identifiers: Orphanet 217071, MedGen C0007134, MeSH D002292, MONDO:0005086, HP:0005584.

Submission:

Labcorp Genetics (formerly Invitae), Labcorp
Classification: Uncertain significance for Renal cell carcinoma. Last evaluated: 2021-05-01. Review status: criteria provided, single submitter. Criteria: Invitae Variant Classification Sherloc (09022015). Collection method: clinical testing. Allele origin: germline.
Comment: Algorithms developed to predict the effect of missense changes on protein structure and function (SIFT, PolyPhen-2, Align-GVGD) all suggest that this variant is likely to be tolerated, but these predictions have not been confirmed by published functional studies and their clinical significance is uncertain. This sequence change replaces phenylalanine with leucine at codon 430 of the MET protein (p.Phe430Leu). The phenylalanine residue is moderately conserved and there is a small physicochemical difference between phenylalanine and leucine. This variant is not present in population databases (ExAC no frequency). This variant has not been reported in the literature in individuals with MET-related conditions. In summary, the available evidence is currently insufficient to determine the role of this variant in disease. Therefore, it has been classified as a Variant of Uncertain Significance.

NM_000245.4(MET):c.1288T>C (p.Phe430Leu)

Gene: MET (MET proto-oncogene, receptor tyrosine kinase; plus strand). Cytogenetic location: 7q31.2.
Variant type: single nucleotide variant.
Coding change: c.1288T>C on transcript NM_000245.4 (MANE Select); coding-DNA position 1288, T replaced by C.
Protein change: p.Phe430Leu; replaces phenylalanine 430 with leucine.
Molecular consequence: missense variant. On other transcripts: 5 prime UTR variant (1).
Genome position (GRCh38, 1-based): chr7:116,731,755, T>C. VCF-style: chr7-116731755-T-C. GRCh37 (hg19) VCF-style: chr7-116371809-T-C.
Other names: c.1288T>C, p.Phe430Leu (NM_001127500.3, NM_001324401.3); c.-3T>C (NM_001324402.2); short protein forms F430L.
Identifiers: ClinVar variation 1350521 (VCV001350521.8), dbSNP rs2116781526, ClinGen allele CA368972851.